The following is an entry in ClinVar:

NM_000744.7(CHRNA4):c.681C>A (p.Ala227=)

Gene: CHRNA4 (cholinergic receptor nicotinic alpha 4 subunit; minus strand). Cytogenetic location: 20q13.33.
Variant type: single nucleotide variant.
Coding change: c.681C>A on transcript NM_000744.7 (MANE Select); coding-DNA position 681, C replaced by A.
Protein change: p.Ala227=; no amino-acid change (alanine 227 retained).
Molecular consequence: synonymous variant. On other transcripts: non-coding transcript variant (1).
Genome position (GRCh38, 1-based): chr20:63,350,730, G>T on the plus strand (C>A on the coding strand, the complement: CHRNA4 is on the minus strand). VCF-style: chr20-63350730-G-T. GRCh37 (hg19) VCF-style: chr20-61982082-G-T.
Other names: p.Ala227=; c.153C>A, p.Ala51= (NM_001256573.2).
Identifiers: ClinVar variation 447036 (VCV000447036.27), dbSNP rs45588436, ClinGen allele CA9957754.
Genomic context (GRCh38, chr20:63,350,730, plus strand): 5'-GGTGTAGAAGAGCGGCAGCCGCCGGATGACGAAGGCATAGGTGATGTCCGGGTAGATCTC[G>T]GCACAGCACTCGTACTTCCTGGTGTTGTAGGTGCCCACGGCATCCACGATGACCCACTCG-3'
Protein context (NP_000735.1, residues 217-237): TYNTRKYECC[Ala227=]EIYPDITYAF

ClinVar aggregate classification (germline): Conflicting classifications of pathogenicity. Review status: criteria provided, conflicting classifications (1 of 4 stars). 8 submissions from 8 submitters: Uncertain significance (1); Benign (4); Likely benign (2). 1 of the submissions does not count toward it. Last evaluated 2025-12-28.

Conditions:
Familial sleep-related hypermotor epilepsy. Also called: Autosomal Dominant Sleep-Related Hypermotor (Hyperkinetic) Epilepsy. Identifiers: Orphanet 98784, MedGen C3696898, MONDO:0000030.
CHRNA4-related disorder. Also called: CHRNA4-related condition.
Inborn genetic diseases. Identifiers: MedGen C0950123, MeSH D030342.

Allele frequency attached by ClinVar (database versions not stated): TOPMed 0.00006; 1000 Genomes Project 0.00040; 1000 Genomes Project 30x 0.00047.

Submissions (8):

Labcorp Genetics (formerly Invitae), Labcorp
Classification: Benign. Last evaluated: 2025-12-28. Review status: criteria provided, single submitter. Criteria: Invitae Variant Classification Sherloc (09022015). Collection method: clinical testing. Allele origin: germline.

Mayo Clinic Laboratories, Mayo Clinic
Classification: Benign. Last evaluated: 2025-03-24. Review status: criteria provided, single submitter. Criteria: ACMG Guidelines, 2015. Collection method: clinical testing. Allele origin: germline. Observed: 1 variant allele.
Comment: BS1, BS2, BP4, BP7

Athena Diagnostics
Classification: Benign. Last evaluated: 2024-10-02. Review status: criteria provided, single submitter. Criteria: Athena Diagnostics Criteria. Collection method: clinical testing. Allele origin: unknown.

Blueprint Genetics
Classification: Likely benign. Last evaluated: 2022-01-26. Review status: criteria provided, single submitter. Criteria: ACMG Guidelines, 2015. Collection method: clinical testing. Allele origin: germline.

GeneDx
Classification: Benign. Last evaluated: 2019-06-11. Review status: criteria provided, single submitter. Criteria: GeneDx Variant Classification Process June 2021. Collection method: clinical testing. Allele origin: germline. Affected: yes.

Eurofins Ntd Llc (ga)
Classification: Uncertain significance. Last evaluated: 2017-04-13. Review status: criteria provided, single submitter. Criteria: EGL Classification Definitions 2015. Collection method: clinical testing. Allele origin: germline. Observed: 1 variant allele, 1 heterozygote.

Ambry Genetics
Classification: Likely benign for Inborn genetic diseases. Last evaluated: 2016-12-12. Review status: criteria provided, single submitter. Criteria: Ambry Variant Classification Scheme 2023. Collection method: clinical testing. Allele origin: germline.

PreventionGenetics, part of Exact Sciences
Classification: Likely benign for CHRNA4-related condition. Last evaluated: 2021-04-16. Review status: no assertion criteria provided. Collection method: clinical testing. Allele origin: germline. Not counted in ClinVar's aggregate classification.
Comment: This variant is classified as likely benign based on ACMG/AMP sequence variant interpretation guidelines (Richards et al. 2015 PMID: 25741868, with internal and published modifications).

Literature cited by the submitters: PubMed 21683344 (cited by Athena Diagnostics and Ambry Genetics).